The following is an entry in ClinVar:

ClinVar aggregate classification (germline): Uncertain significance (1 of 4 stars; one submission).

Submission:

Ambry Genetics
Classification: Uncertain significance. Last evaluated: 2024-07-01. Review status: criteria provided, single submitter. Criteria: Ambry Variant Classification Scheme 2023. Collection method: clinical testing. Allele origin: germline.
Comment: The p.G132V variant (also known as c.395G>T), located in coding exon 3 of the SLMAP gene, results from a G to T substitution at nucleotide position 395. The glycine at codon 132 is replaced by valine, an amino acid with dissimilar properties. This amino acid position is conserved. In addition, this alteration is predicted to be deleterious by in silico analysis. Based on the available evidence, the clinical significance of this variant remains unclear.

NM_001377540.1(SLMAP):c.395G>T (p.Gly132Val)

Gene: SLMAP (sarcolemma associated protein; plus strand). Cytogenetic location: 3p14.3.
Variant type: single nucleotide variant.
Coding change: c.395G>T on transcript NM_001377540.1 (MANE Select); coding-DNA position 395, G replaced by T.
Protein change: p.Gly132Val; replaces glycine 132 with valine.
Molecular consequence: missense variant. On other transcripts: non-coding transcript variant (1).
Genome position (GRCh38, 1-based): chr3:57,841,347, G>T. VCF-style: chr3-57841347-G-T. GRCh37 (hg19) VCF-style: chr3-57827074-G-T.
Other names: c.395G>T, p.Gly132Val (NM_001304420.3, NM_001304421.2, NM_001377538.1 and 17 more transcripts); short protein forms G132V.
Identifiers: ClinVar variation 3445696 (VCV003445696.1).